The following is an entry in ClinVar:

NM_153704.6(TMEM67):c.1132-1G>T

Gene: TMEM67 (transmembrane protein 67; plus strand). Cytogenetic location: 8q22.1.
Variant type: single nucleotide variant.
Coding change: c.1132-1G>T on transcript NM_153704.6 (MANE Select); the canonical splice acceptor site of the intron before coding-DNA position 1132, G replaced by T.
Molecular consequence: splice acceptor variant.
Genome position (GRCh38, 1-based): chr8:93,785,221, G>T. VCF-style: chr8-93785221-G-T. GRCh37 (hg19) VCF-style: chr8-94797449-G-T.
Other names: c.889-1G>T (NM_001142301.1).
Identifiers: ClinVar variation 2951050 (VCV002951050.3), dbSNP rs762114240, ClinGen allele CA4807892.

ClinVar aggregate classification (germline): Likely pathogenic (1 of 4 stars; one submission).

Conditions:
Joubert syndrome. Also called: CEREBELLOPARENCHYMAL DISORDER IV; JOUBERT-BOLTSHAUSER SYNDROME; Familial aplasia of the vermis. Identifiers: Orphanet 475, MedGen C5979921, MONDO:0018772.
Meckel-Gruber syndrome. Also called: DYSENCEPHALIA SPLANCHNOCYSTICA; GRUBER SYNDROME; Dysencephalia splachnocystica. Identifiers: Orphanet 564, MedGen C0265215, MONDO:0018921.

Allele frequency attached by ClinVar (database versions not stated): TOPMed below 0.00001.
gnomAD v4.1: 2 of 1,559,068 alleles (0.00013%); highest among the groups gnomAD compares: Non-Finnish European, 0.00018%; no homozygotes.

Submission:

Labcorp Genetics (formerly Invitae), Labcorp
Classification: Likely pathogenic for Joubert syndrome; Meckel-Gruber syndrome. Last evaluated: 2023-10-22. Review status: criteria provided, single submitter. Criteria: Invitae Variant Classification Sherloc (09022015). Collection method: clinical testing. Allele origin: germline.
Comment: This sequence change affects an acceptor splice site in intron 11 of the TMEM67 gene. It is expected to disrupt RNA splicing. Variants that disrupt the donor or acceptor splice site typically lead to a loss of protein function (PMID: 16199547), and loss-of-function variants in TMEM67 are known to be pathogenic (PMID: 20232449, 23559409). This variant is present in population databases (rs762114240, gnomAD 0.0009%). This variant has not been reported in the literature in individuals affected with TMEM67-related conditions. Algorithms developed to predict the effect of sequence changes on RNA splicing suggest that this variant may disrupt the consensus splice site. In summary, the currently available evidence indicates that the variant is pathogenic, but additional data are needed to prove that conclusively. Therefore, this variant has been classified as Likely Pathogenic.

Literature cited by the submitters: PubMed 16199547; PubMed 20232449; PubMed 23559409.